The following is an entry in ClinVar:

ClinVar aggregate classification (germline): Conflicting classifications of pathogenicity. Review status: criteria provided, conflicting classifications (1 of 4 stars). 3 submissions from 3 submitters: Likely pathogenic (1); Uncertain significance (2). Last evaluated 2024-10-01.

Conditions:
Polycystic kidney disease, adult type (PKD1). Also called: Polycystic Kidney Disease 1, Autosomal Dominant; Polycystic kidney disease 1; Polycystic kidney disease 1, severe; POLYCYSTIC KIDNEY DISEASE, ADULT, TYPE I; Polycystic Kidney, Autosomal Dominant; POLYCYSTIC KIDNEY DISEASE 1 WITH OR WITHOUT POLYCYSTIC LIVER DISEASE. Identifiers: MedGen C3149841, MONDO:0008263, OMIM 173900.
PKD1-related disorder. Also called: PKD1-related condition.

Submissions (3):

Department of Pathology and Laboratory Medicine, Sinai Health System
Classification: Uncertain significance for Polycystic kidney disease, adult type. Last evaluated: 2024-10-01. Review status: criteria provided, single submitter. Criteria: ACMG Guidelines, 2015. Collection method: clinical testing. Allele origin: germline.

PreventionGenetics, part of Exact Sciences
Classification: Likely pathogenic for PKD1-related condition. Last evaluated: 2023-06-14. Review status: criteria provided, single submitter. Criteria: ACMG Guidelines, 2015. Collection method: clinical testing. Allele origin: germline.
Comment: The PKD1 c.6116A>C variant is predicted to result in the amino acid substitution p.Gln2039Pro. To our knowledge, this variant has not been reported in the literature or in a large population database, indicating this variant is rare. This variant is interpreted as likely pathogenic.

Blueprint Genetics
Classification: Uncertain significance. Last evaluated: 2020-12-13. Review status: criteria provided, single submitter. Criteria: ACMG Guidelines, 2015. Collection method: clinical testing. Allele origin: germline.

NM_001009944.3(PKD1):c.6116A>C (p.Gln2039Pro)

Gene: PKD1 (polycystin 1, transient receptor potential channel interacting; minus strand). Cytogenetic location: 16p13.3.
Variant type: single nucleotide variant.
Coding change: c.6116A>C on transcript NM_001009944.3 (MANE Select); coding-DNA position 6116, A replaced by C.
Protein change: p.Gln2039Pro; replaces glutamine 2039 with proline.
Molecular consequence: missense variant.
Genome position (GRCh38, 1-based): chr16:2,109,051, T>G on the plus strand (A>C on the coding strand, the complement: PKD1 is on the minus strand). VCF-style: chr16-2109051-T-G. GRCh37 (hg19) VCF-style: chr16-2159052-T-G.
Other names: c.6116A>C, p.Gln2039Pro (NM_000296.4); short protein forms Q2039P.
Identifiers: ClinVar variation 2633071 (VCV002633071.3), dbSNP rs2092434606, ClinGen allele CA394374334.